The following is an entry in ClinVar:

NM_006846.4(SPINK5):c.283-339T>C

Gene: SPINK5 (serine peptidase inhibitor Kazal type 5; plus strand). Cytogenetic location: 5q32.
Variant type: single nucleotide variant.
Coding change: c.283-339T>C on transcript NM_006846.4 (MANE Select); 339 bases into the intron before coding-DNA position 283, T replaced by C.
Molecular consequence: intron variant.
Genome position (GRCh38, 1-based): chr5:148,086,066, T>C. VCF-style: chr5-148086066-T-C. GRCh37 (hg19) VCF-style: chr5-147465629-T-C.
Other names: c.283-339T>C (NM_001127698.2, NM_001127699.2).
Identifiers: ClinVar variation 667629 (VCV000667629.1), dbSNP rs1363724, ClinGen allele CA12066306.

ClinVar aggregate classification (germline): Benign (1 of 4 stars; one submission).

Allele frequency attached by ClinVar (database versions not stated): gnomAD 0.67386 and 0.67808; TOPMed 0.69139; 1000 Genomes Project 0.75280; 1000 Genomes Project 30x 0.75422.
gnomAD v4.1: 102,499 of 151,282 alleles (68%); highest among the groups gnomAD compares: African/African-American, 80%; 35,423 homozygotes.

Submission:

GeneDx
Classification: Benign. Last evaluated: 2018-06-14. Review status: criteria provided, single submitter. Criteria: GeneDx Variant Classification (06012015). Collection method: clinical testing. Allele origin: germline. Affected: yes.
Comment: This variant is considered likely benign or benign based on one or more of the following criteria: it is a conservative change, it occurs at a poorly conserved position in the protein, it is predicted to be benign by multiple in silico algorithms, and/or has population frequency not consistent with disease.